The following is an entry in ClinVar:

NM_006904.7(PRKDC):c.2851G>A (p.Gly951Arg)

Gene: PRKDC (protein kinase, DNA-activated, catalytic subunit; minus strand). Cytogenetic location: 8q11.21.
Variant type: single nucleotide variant.
Coding change: c.2851G>A on transcript NM_006904.7 (MANE Select); coding-DNA position 2851, G replaced by A.
Protein change: p.Gly951Arg; replaces glycine 951 with arginine.
Molecular consequence: missense variant.
Genome position (GRCh38, 1-based): chr8:47,912,493, C>T on the plus strand (G>A on the coding strand, the complement: PRKDC is on the minus strand). VCF-style: chr8-47912493-C-T. GRCh37 (hg19) VCF-style: chr8-48825053-C-T.
Other names: c.2851G>A, p.Gly951Arg (NM_001081640.2); short protein forms G951R.
Identifiers: ClinVar variation 1796844 (VCV001796844.2), dbSNP rs1589787189, ClinGen allele CA371158828.

ClinVar aggregate classification (germline): Uncertain significance (1 of 4 stars; one submission).

Submission:

Ambry Genetics
Classification: Uncertain significance. Last evaluated: 2022-03-26. Review status: criteria provided, single submitter. Criteria: Ambry Variant Classification Scheme 2023. Collection method: clinical testing. Allele origin: germline.
Comment: The p.G951R variant (also known as c.2851G>A), located in coding exon 25 of the PRKDC gene, results from a G to A substitution at nucleotide position 2851. The glycine at codon 951 is replaced by arginine, an amino acid with dissimilar properties. This amino acid position is conserved. In addition, this alteration is predicted to be tolerated by in silico analysis. Since supporting evidence is limited at this time, the clinical significance of this alteration remains unclear.